The following is an entry in ClinVar:

ClinVar aggregate classification (germline): Likely pathogenic (1 of 4 stars; one submission).

Conditions:
Holoprosencephaly 3 (HPE3). Identifiers: Orphanet 2162, MedGen C1840529, MONDO:0007733, OMIM 142945.

Submission:

Clinical Genomics Laboratory, Washington University in St. Louis
Classification: Likely pathogenic for Holoprosencephaly 3. Last evaluated: 2025-06-02. Review status: criteria provided, single submitter. Criteria: ACMG Guidelines, 2015. Collection method: clinical testing. Allele origin: germline. Affected: yes.
Comment: The SHH c.667C>G (p.Arg223Gly) variant, to our knowledge, has not been reported in the medical literature and is absent from the general population (gnomAD v.4.1.0), indicating it is not a common variant. Computational predictors indicate that the variant is damaging, evidence that correlates with impact to SHH function. This region is enriched for pathogenic missense variants and depleted of benign missense variants (MutScore). Specifically, missense variants in the surrounding codons (c.664G>A (p.Asp222Asn) and c.671T>A (p.Val224Glu) ClinVar Variation IDs: 65887 and 8882, respectively) are considered pathogenic or likely pathogenic. Based on available information and the ACMG/AMP guidelines for variant interpretation (Richards S et al., PMID: 25741868), this variant is classified as likely pathogenic.

NM_000193.4(SHH):c.667C>G (p.Arg223Gly)

Gene: SHH (sonic hedgehog signaling molecule; minus strand). Cytogenetic location: 7q36.3.
Variant type: single nucleotide variant.
Coding change: c.667C>G on transcript NM_000193.4 (MANE Select); coding-DNA position 667, C replaced by G.
Protein change: p.Arg223Gly; replaces arginine 223 with glycine.
Molecular consequence: missense variant. On other transcripts: intron variant (1).
Genome position (GRCh38, 1-based): chr7:155,803,622, G>C on the plus strand (C>G on the coding strand, the complement: SHH is on the minus strand). VCF-style: chr7-155803622-G-C. GRCh37 (hg19) VCF-style: chr7-155596316-G-C.
Other names: c.301+2674C>G (NM_001310462.2); short protein forms R223G.
Identifiers: ClinVar variation 4279822 (VCV004279822.1).
Genomic context (GRCh38, chr7:155,803,622, plus strand): 5'-CCAGGAAAGTGAGGAAGTCGCTGTAGAGCAGCCGGCCCTGGTCGTCCGCCGCCAGCACGC[G>C]GTCCCCGGGGCTCAGGTCCTTCACCAGCTTGGTGCCGCCCTGCTCCAGGTGCACCGTGGC-3'
Protein context (NP_000184.1, residues 213-233): KLVKDLSPGD[Arg223Gly]VLAADDQGRL